The following is an entry in ClinVar:

ClinVar aggregate classification (germline): Conflicting classifications of pathogenicity. Review status: criteria provided, conflicting classifications (1 of 4 stars). 4 submissions from 4 submitters: Likely pathogenic (2); Uncertain significance (2). Last evaluated 2025-07-01.

Conditions:
Thrombophilia due to protein C deficiency, autosomal dominant. Also called: PROC DEFICIENCY, AUTOSOMAL DOMINANT; PROTEIN C DEFICIENCY, AUTOSOMAL DOMINANT. Identifiers: Orphanet 745, MedGen C2674321, MONDO:0008316, OMIM 176860. Disease mechanism: loss of function.
Thrombophilia due to protein C deficiency, autosomal recessive. Also called: PROC DEFICIENCY, AUTOSOMAL RECESSIVE; PROTEIN C DEFICIENCY, AUTOSOMAL RECESSIVE. Identifiers: Orphanet 745, MedGen C2676759, MONDO:0012860, OMIM 612304.

Allele frequency attached by ClinVar (database versions not stated): gnomAD exomes below 0.00001 and 0.00001; gnomAD 0.00001 and 0.00003; TOPMed 0.00001.

Submissions (4):

Women's Health and Genetics/Laboratory Corporation of America, LabCorp
Classification: Likely pathogenic for Thrombophilia due to protein C deficiency, autosomal dominant. Last evaluated: 2025-07-01. Review status: criteria provided, single submitter. Criteria: LabCorp Variant Classification Summary - May 2015. Collection method: clinical testing. Allele origin: germline.
Comment: Variant summary: PROC c.1318C>T (p.Arg440Cys) results in a non-conservative amino acid change in the encoded protein sequence. Algorithms developed to predict the effect of missense changes on protein structure and function are either unavailable or do not agree on the potential impact of this missense change. The variant allele was found at a frequency of 8e-06 in 250380 control chromosomes. c.1318C>T has been observed in heterozygous state in at least 3 related individual(s) affected with clinical and/or hematological features Thrombophilia Due To Protein C Deficiency, Autosomal Dominant, indicating segregation. These data indicate that the variant may be associated with disease. At least one publication reports experimental evidence evaluating an impact on protein function in vitro which was corroborated by results in patient samples. The most pronounced variant effect results in <10% of normal activity and antigen level of the variant protein/allele (example, Wen_2025). The following publications have been ascertained in the context of this evaluation (PMID: 39724247, 37950050, 26437033, 24755471, 22810696, 38015884, 37307703, 35231991). ClinVar contains an entry for this variant (Variation ID: 331113). Based on the evidence outlined above, the variant was classified as likely pathogenic.

Labcorp Genetics (formerly Invitae), Labcorp
Classification: Uncertain significance for Thrombophilia due to protein C deficiency, autosomal dominant. Last evaluated: 2021-08-26. Review status: criteria provided, single submitter. Criteria: Invitae Variant Classification Sherloc (09022015). Collection method: clinical testing. Allele origin: germline.
Comment: This sequence change replaces arginine with cysteine at codon 440 of the PROC protein (p.Arg440Cys). The arginine residue is weakly conserved and there is a large physicochemical difference between arginine and cysteine. This variant is not present in population databases (ExAC no frequency). This variant has not been reported in the literature in individuals affected with PROC-related conditions. ClinVar contains an entry for this variant (Variation ID: 331113). Algorithms developed to predict the effect of missense changes on protein structure and function are either unavailable or do not agree on the potential impact of this missense change (SIFT: "Deleterious"; PolyPhen-2: "Benign"; Align-GVGD: "Class C0"). In summary, the available evidence is currently insufficient to determine the role of this variant in disease. Therefore, it has been classified as a Variant of Uncertain Significance.

Illumina Laboratory Services, Illumina
Classification: Uncertain significance for Thrombophilia due to protein C deficiency, autosomal dominant. Last evaluated: 2018-01-13. Review status: criteria provided, single submitter. Criteria: ICSL Variant Classification Criteria 13 December 2019. Collection method: clinical testing. Allele origin: germline.

Juno Genomics, Hangzhou Juno Genomics, Inc
Classification: Likely pathogenic for Thrombophilia due to protein C deficiency, autosomal dominant; Thrombophilia due to protein C deficiency, autosomal recessive. Review status: criteria provided, single submitter. Criteria: ACMG Guidelines, 2015. Collection method: clinical testing. Allele origin: germline.
Comment: Absent from controls (or at extremely low frequency if recessive) in Genome Aggregation Database.;The prevalence of the variant in affected individuals is significantly increased compared to the prevalence in controls.;Co-segregation with disease in multiple affected family members.

Literature cited by the submitters: PubMed 24755471 (cited by Women's Health and Genetics/Laboratory Corporation of America, LabCorp); PubMed 37950050 (cited by Women's Health and Genetics/Laboratory Corporation of America, LabCorp); PubMed 26437033 (cited by Women's Health and Genetics/Laboratory Corporation of America, LabCorp); PubMed 38015884 (cited by Women's Health and Genetics/Laboratory Corporation of America, LabCorp); PubMed 37307703 (cited by Women's Health and Genetics/Laboratory Corporation of America, LabCorp); PubMed 39724247 (cited by Women's Health and Genetics/Laboratory Corporation of America, LabCorp); PubMed 35231991 (cited by Women's Health and Genetics/Laboratory Corporation of America, LabCorp).

NM_000312.4(PROC):c.1318C>T (p.Arg440Cys)

Gene: PROC (protein C, inactivator of coagulation factors Va and VIIIa; plus strand). Cytogenetic location: 2q14.3.
Variant type: single nucleotide variant.
Coding change: c.1318C>T on transcript NM_000312.4 (MANE Select); coding-DNA position 1318, C replaced by T.
Protein change: p.Arg440Cys; replaces arginine 440 with cysteine.
Molecular consequence: missense variant.
Genome position (GRCh38, 1-based): chr2:127,428,878, C>T. VCF-style: chr2-127428878-C-T. GRCh37 (hg19) VCF-style: chr2-128186454-C-T.
Other names: c.1501C>T, p.Arg501Cys (NM_001375602.1); c.1483C>T, p.Arg495Cys (NM_001375603.1); c.1381C>T, p.Arg461Cys (NM_001375604.1); c.1420C>T, p.Arg474Cys (NM_001375605.1); c.1486C>T, p.Arg496Cys (NM_001375606.1); c.1504C>T, p.Arg502Cys (NM_001375607.1); c.1261C>T, p.Arg421Cys (NM_001375608.1); c.1294C>T, p.Arg432Cys (NM_001375609.1); and 2 more; short protein forms R440C, R421C, R432C, R438C, R461C, R474C, R495C, R496C.
Identifiers: ClinVar variation 331113 (VCV000331113.14), dbSNP rs886054848, ClinGen allele CA10612236.